The following is an entry in ClinVar:

ClinVar aggregate classification (germline): Likely benign (1 of 4 stars; one submission).

Submission:

CeGaT Center for Human Genetics Tuebingen
Classification: Likely benign. Last evaluated: 2025-11-01. Review status: criteria provided, single submitter. Criteria: CeGaT Center For Human Genetics Tuebingen Variant Classification Criteria Version 2. Collection method: clinical testing. Allele origin: germline. Affected: yes. Observed: 1 variant allele.
Comment: PHKA1: PM2, BS2

NM_002637.4(PHKA1):c.2174C>T (p.Ala725Val)

Gene: PHKA1 (phosphorylase kinase regulatory subunit alpha 1; minus strand). Cytogenetic location: Xq13.1.
Variant type: single nucleotide variant.
Coding change: c.2174C>T on transcript NM_002637.4 (MANE Select); coding-DNA position 2174, C replaced by T.
Protein change: p.Ala725Val; replaces alanine 725 with valine.
Molecular consequence: missense variant.
Genome position (GRCh38, 1-based): chrX:72,619,269, G>A on the plus strand (C>T on the coding strand, the complement: PHKA1 is on the minus strand). VCF-style: chrX-72619269-G-A. GRCh37 (hg19) VCF-style: chrX-71839119-G-A.
Other names: c.2174C>T, p.Ala725Val (NM_001122670.2, NM_001431068.1, NM_001440787.1); c.1997C>T, p.Ala666Val (NM_001172436.2, NM_001440788.1); short protein forms A666V, A725V.
Identifiers: ClinVar variation 4534629 (VCV004534629.6).